The following is an entry in ClinVar:

ClinVar aggregate classification (germline): Uncertain significance (1 of 4 stars; one submission).

Conditions:
Hereditary cancer-predisposing syndrome. Also called: Tumor predisposition; Neoplastic Syndromes, Hereditary; Hereditary neoplastic syndrome; Hereditary Cancer Syndrome. Identifiers: Orphanet 140162, MedGen C0027672, MeSH D009386, MONDO:0015356.

Submission:

Ambry Genetics
Classification: Uncertain significance for Hereditary cancer-predisposing syndrome. Last evaluated: 2024-07-11. Review status: criteria provided, single submitter. Criteria: Ambry Variant Classification Scheme 2023. Collection method: clinical testing. Allele origin: germline.
Comment: The p.L285Q variant (also known as c.854T>A), located in coding exon 6 of the ATM gene, results from a T to A substitution at nucleotide position 854. The leucine at codon 285 is replaced by glutamine, an amino acid with dissimilar properties. This amino acid position is highly conserved in available vertebrate species. In addition, this alteration is predicted to be deleterious by in silico analysis. Based on the available evidence, the clinical significance of this variant remains unclear.

NM_000051.4(ATM):c.854T>A (p.Leu285Gln)

Gene: ATM (ATM serine/threonine kinase; plus strand). Cytogenetic location: 11q22.3.
Variant type: single nucleotide variant.
Coding change: c.854T>A on transcript NM_000051.4 (MANE Select); coding-DNA position 854, T replaced by A.
Protein change: p.Leu285Gln; replaces leucine 285 with glutamine.
Molecular consequence: missense variant.
Genome position (GRCh38, 1-based): chr11:108,244,979, T>A. VCF-style: chr11-108244979-T-A. GRCh37 (hg19) VCF-style: chr11-108115706-T-A.
Other names: c.854T>A, p.Leu285Gln (NM_001351834.2); short protein forms L285Q.
Identifiers: ClinVar variation 3449910 (VCV003449910.1).
Genomic context (GRCh38, chr11:108,244,979, plus strand): 5'-TTTGGACTCAACATAGGCTTAATGATTCTTTAAAAGAAGTCATTATTGAATTATTTCAAC[T>A]GCAAATTTATATCCATCATCCGAAAGGAGCCAAAACCCAAGAAAAAGGTATAAAGGAAAT-3'
Protein context (NP_000042.3, residues 275-295): LKEVIIELFQ[Leu285Gln]QIYIHHPKGA